The following is an entry in ClinVar:

ClinVar aggregate classification (germline): Pathogenic (1 of 4 stars; one submission).

Conditions:
Biotinidase deficiency. Also called: BTD deficiency; Late-onset biotin-responsive multiple carboxylase deficiency; Biotin deficiency. Identifiers: Orphanet 79241, MedGen C0220754, MONDO:0009665, OMIM 253260.

Submission:

Myriad Genetics, Inc.
Classification: Pathogenic for Biotinidase deficiency. Last evaluated: 2026-03-12. Review status: criteria provided, single submitter. Criteria: Myriad Autosomal Dominant, Autosomal Recessive and X-Linked Classification Criteria (2023). Collection method: clinical testing. Allele origin: unknown.
Comment: NM_000060.2(BTD):c.227dupT(I77Hfs*15) is expected to be pathogenic in the context of biotinidase deficiency. This variant is predicted to lead to an abnormal or absent protein product due to the creation of a premature termination codon in BTD, a gene where loss-of-function variants are known to be pathogenic. Please note: this variant was assessed in the context of healthy population screening.

NM_001370658.1(BTD):c.167dup (p.Ile57fs)

Gene: BTD (biotinidase; plus strand). Cytogenetic location: 3p25.1.
Variant type: Duplication.
Coding change: c.167dup on transcript NM_001370658.1 (MANE Select); coding-DNA position 167, one base duplicated (T; older notation c.167dupT).
Protein change: p.Ile57fs; shifts the reading frame from isoleucine 57.
Molecular consequence: frameshift variant.
Genome position (GRCh38, 1-based): chr3:15,635,606, T duplicated. VCF-style (leftmost placement, unchanged base first): chr3-15635605-C-CT. GRCh37 (hg19) VCF-style: chr3-15677112-C-CT.
Other names: c.167dup, p.Ile57fs (NM_001281723.4, NM_001281724.3, NM_001281725.3 and 37 more transcripts); short protein forms I57fs.
Identifiers: ClinVar variation 5015670 (VCV005015670.1).